The following is an entry in ClinVar:

NM_152383.5(DIS3L2):c.631A>G (p.Lys211Glu)

Gene: DIS3L2 (DIS3 like 3'-5' exoribonuclease 2; plus strand). Cytogenetic location: 2q37.1.
Variant type: single nucleotide variant.
Coding change: c.631A>G on transcript NM_152383.5 (MANE Select); coding-DNA position 631, A replaced by G.
Protein change: p.Lys211Glu; replaces lysine 211 with glutamic acid.
Molecular consequence: missense variant. On other transcripts: non-coding transcript variant (2).
Genome position (GRCh38, 1-based): chr2:232,130,648, A>G. VCF-style: chr2-232130648-A-G. GRCh37 (hg19) VCF-style: chr2-232995358-A-G.
Other names: c.631A>G, p.Lys211Glu (NM_001257281.2, NM_001257282.2); short protein forms K211E.
Identifiers: ClinVar variation 1061125 (VCV001061125.9), dbSNP rs1301298634, ClinGen allele CA351153141.

ClinVar aggregate classification (germline): Uncertain significance (1 of 4 stars; one submission).

Conditions:
Perlman syndrome (PRLMNS). Identifiers: Orphanet 2849, MedGen C0796113, MONDO:0009965, OMIM 267000.

Allele frequency attached by ClinVar (database versions not stated): TOPMed below 0.00001.

Submission:

Labcorp Genetics (formerly Invitae), Labcorp
Classification: Uncertain significance for Perlman syndrome. Last evaluated: 2023-10-15. Review status: criteria provided, single submitter. Criteria: Invitae Variant Classification Sherloc (09022015). Collection method: clinical testing. Allele origin: germline.
Comment: This sequence change replaces lysine, which is basic and polar, with glutamic acid, which is acidic and polar, at codon 211 of the DIS3L2 protein (p.Lys211Glu). This variant is not present in population databases (gnomAD no frequency). This variant has not been reported in the literature in individuals affected with DIS3L2-related conditions. ClinVar contains an entry for this variant (Variation ID: 1061125). An algorithm developed to predict the effect of missense changes on protein structure and function (PolyPhen-2) suggests that this variant is likely to be tolerated. In summary, the available evidence is currently insufficient to determine the role of this variant in disease. Therefore, it has been classified as a Variant of Uncertain Significance.